The following is an entry in ClinVar:

ClinVar aggregate classification (germline): Benign/Likely benign. Review status: criteria provided, multiple submitters, no conflicts (2 of 4 stars). 6 submissions from 6 submitters: Benign (2); Likely benign (3). 1 of the submissions does not count toward it. Last evaluated 2025-11-24.

Conditions:
SYNE1-related disorder. Also called: SYNE1-related disease; SYNE1-related condition; SYNE1-related disorders.
Autosomal recessive ataxia, Beauce type. Also called: ATAXIA, RECESSIVE, OF BEAUCE; Spinocerebellar ataxia, autosomal recessive 8; SYNE1 Deficiency; SYNE1-Related Autosomal Recessive Cerebellar Ataxia. Identifiers: Orphanet 88644, MedGen C1853116, MONDO:0012549, OMIM 610743.
Emery-Dreifuss muscular dystrophy 4, autosomal dominant (EDMD4). Also called: EMERY-DREIFUSS MUSCULAR DYSTROPHY 4 WITH VARIABLE FEATURES. Identifiers: Orphanet 261, MedGen C2751807, MONDO:0013071, OMIM 612998.

Allele frequency attached by ClinVar (database versions not stated): gnomAD exomes 0.00039; ExAC 0.00044; 1000 Genomes Project 0.00120; gnomAD 0.00127 and 0.00138; ESP Exome Variant Server 0.00131; TOPMed 0.00155; 1000 Genomes Project 30x 0.00172.
gnomAD v4.1: 405 of 1,614,142 alleles (0.025%); highest among the groups gnomAD compares: African/African-American, 0.43%; 1 homozygote.

Submissions (6):

Labcorp Genetics (formerly Invitae), Labcorp
Classification: Likely benign for Emery-Dreifuss muscular dystrophy 4, autosomal dominant; Autosomal recessive ataxia, Beauce type. Last evaluated: 2025-11-24. Review status: criteria provided, single submitter. Criteria: Invitae Variant Classification Sherloc (09022015). Collection method: clinical testing. Allele origin: germline.

CeGaT Center for Human Genetics Tuebingen
Classification: Likely benign. Last evaluated: 2024-01-01. Review status: criteria provided, single submitter. Criteria: CeGaT Center For Human Genetics Tuebingen Variant Classification Criteria Version 2. Collection method: clinical testing. Allele origin: germline. Affected: yes. Observed: 1 variant allele.
Comment: SYNE1: BS2

Molecular Medicine for Neurodegenerative and Neuromuscular Diseases Unit, IRCCS Fondazione Stella Maris
Classification: Benign for Autosomal recessive ataxia, Beauce type. Last evaluated: 2021-07-12. Review status: criteria provided, single submitter. Criteria: ACMG Guidelines, 2015. Collection method: research. Allele origin: unknown. Affected: yes.

GeneDx
Classification: Likely benign. Last evaluated: 2020-04-03. Review status: criteria provided, single submitter. Criteria: GeneDx Variant Classification Process June 2021. Collection method: clinical testing. Allele origin: germline. Affected: yes.

Eurofins Ntd Llc (ga)
Classification: Benign. Last evaluated: 2016-06-30. Review status: criteria provided, single submitter. Criteria: EGL Classification Definitions 2015. Collection method: clinical testing. Allele origin: germline. Observed: 3 variant alleles, 3 heterozygotes.

PreventionGenetics, part of Exact Sciences
Classification: Likely benign for SYNE1-related condition. Last evaluated: 2019-08-27. Review status: no assertion criteria provided. Collection method: clinical testing. Allele origin: germline. Not counted in ClinVar's aggregate classification.
Comment: This variant is classified as likely benign based on ACMG/AMP sequence variant interpretation guidelines (Richards et al. 2015 PMID: 25741868, with internal and published modifications).

NM_182961.4(SYNE1):c.23713G>A (p.Glu7905Lys)

Gene: SYNE1 (spectrin repeat containing nuclear envelope protein 1; minus strand). Cytogenetic location: 6q25.2.
Variant type: single nucleotide variant.
Coding change: c.23713G>A on transcript NM_182961.4 (MANE Select); coding-DNA position 23713, G replaced by A.
Protein change: p.Glu7905Lys; replaces glutamic acid 7905 with lysine.
Molecular consequence: missense variant.
Genome position (GRCh38, 1-based): chr6:152,164,240, C>T on the plus strand (G>A on the coding strand, the complement: SYNE1 is on the minus strand). VCF-style: chr6-152164240-C-T. GRCh37 (hg19) VCF-style: chr6-152485375-C-T.
Other names: c.319G>A, p.Glu107Lys (NM_001347701.2); c.178G>A, p.Glu60Lys (NM_001347702.2); c.23500G>A, p.Glu7834Lys (NM_033071.5); short protein forms E7834K, E7905K, E107K, E60K.
Identifiers: ClinVar variation 194293 (VCV000194293.42), dbSNP rs148997223, ClinGen allele CA240181.